The following is an entry in ClinVar:

ClinVar aggregate classification (germline): Benign/Likely benign. Review status: criteria provided, multiple submitters, no conflicts (2 of 4 stars). 15 submissions from 15 submitters: Benign (7); Likely benign (5). 3 of the submissions do not count toward it. Last evaluated 2026-07-01.

Conditions:
Glycine encephalopathy. Also called: Non-ketotic hyperglycinemia; Nonketotic hyperglycinemia. Identifiers: Orphanet 407, MedGen C0751748, MONDO:0011612, HP:0008288.

Allele frequency attached by ClinVar (database versions not stated): 1000 Genomes Project 0.00319; 1000 Genomes Project 30x 0.00390; TOPMed 0.00645; ExAC 0.00687; gnomAD exomes 0.00693; gnomAD 0.00707 and 0.00728; ESP Exome Variant Server 0.00753.
gnomAD v4.1: 13,465 of 1,613,672 alleles (0.83%); highest among the groups gnomAD compares: Non-Finnish European, 0.94%; 64 homozygotes.

Submissions (15):

CeGaT Center for Human Genetics Tuebingen
Classification: Likely benign. Last evaluated: 2026-07-01. Review status: criteria provided, single submitter. Criteria: CeGaT Center For Human Genetics Tuebingen Variant Classification Criteria Version 2. Collection method: clinical testing. Allele origin: germline. Affected: yes. Observed: 35 variant alleles.
Comment: GLDC: BS2

Labcorp Genetics (formerly Invitae), Labcorp
Classification: Benign for Glycine encephalopathy. Last evaluated: 2026-02-04. Review status: criteria provided, single submitter. Criteria: Invitae Variant Classification Sherloc (09022015). Collection method: clinical testing. Allele origin: germline.

Mayo Clinic Laboratories, Mayo Clinic
Classification: Benign. Last evaluated: 2025-01-13. Review status: criteria provided, single submitter. Criteria: ACMG Guidelines, 2015. Collection method: clinical testing. Allele origin: germline. Observed: 2 variant alleles.
Comment: BS1, BS2, BP4

Blueprint Genetics
Classification: Likely benign. Last evaluated: 2024-11-23. Review status: criteria provided, single submitter. Criteria: ACMG Guidelines, 2015. Collection method: clinical testing. Allele origin: germline.

Fulgent Genetics
Classification: Likely benign for Glycine encephalopathy 1. Last evaluated: 2021-10-29. Review status: criteria provided, single submitter. Criteria: ACMG Guidelines, 2015. Collection method: clinical testing. Allele origin: unknown.

Women's Health and Genetics/Laboratory Corporation of America, LabCorp
Classification: Benign. Last evaluated: 2021-02-22. Review status: criteria provided, single submitter. Criteria: LabCorp Variant Classification Summary - May 2015. Collection method: clinical testing. Allele origin: germline.
Comment: Variant summary: GLDC c.2380G>A (p.Ala794Thr) results in a non-conservative amino acid change in the encoded protein sequence. Four of five in-silico tools predict a benign effect of the variant on protein function. The variant allele was found at a frequency of 0.0069 in 251474 control chromosomes, predominantly at a frequency of 0.009 within the Non-Finnish European subpopulation in the gnomAD database, including 4 homozygotes. The observed variant frequency within Non-Finnish European control individuals in the gnomAD database is approximately 2.9 fold of the estimated maximal expected allele frequency for a pathogenic variant in GLDC causing Glycine Encephalopathy (Non-Ketotic Hyperglycinemia) phenotype (0.0031), strongly suggesting that the variant is a benign polymorphism found primarily in populations of Non-Finnish European origin. No occurrence of c.2380G>A in individuals affected with Glycine Encephalopathy (Non-Ketotic Hyperglycinemia) and no experimental evidence demonstrating its impact on protein function was ascertained in the context of this evaluation. Five clinical diagnostic laboratories have submitted clinical-significance assessments for this variant to ClinVar after 2014 without evidence for independent evaluation. All laboratories classified the variant as benign (n=3)/likely benign (n=2). Based on the evidence outlined above, the variant was classified as benign.

GeneDx
Classification: Benign. Last evaluated: 2018-09-18. Review status: criteria provided, single submitter. Criteria: GeneDx Variant Classification Process June 2021. Collection method: clinical testing. Allele origin: germline. Affected: yes.

Athena Diagnostics
Classification: Benign. Last evaluated: 2018-03-30. Review status: criteria provided, single submitter. Criteria: Athena Diagnostics Criteria. Collection method: clinical testing. Allele origin: germline.

Center for Pediatric Genomic Medicine, Children's Mercy Hospital and Clinics
Classification: Likely benign. Last evaluated: 2017-05-08. Review status: criteria provided, single submitter. Criteria: ACMG Guidelines, 2015. Collection method: clinical testing. Allele origin: germline.

Illumina Laboratory Services, Illumina
Classification: Benign for Glycine encephalopathy 1. Last evaluated: 2017-04-27. Review status: criteria provided, single submitter. Criteria: ICSL Variant Classification Criteria 13 December 2019. Collection method: clinical testing. Allele origin: germline.
Comment: This variant was observed as part of a predisposition screen in an ostensibly healthy population. A literature search was performed for the gene, cDNA change, and amino acid change (where applicable). Publications were found based on this search. The evidence from the literature, in combination with allele frequency data from public databases where available, was sufficient to rule this variant out of causing disease. Therefore, this variant is classified as benign.

Breakthrough Genomics
Classification: Likely benign. Review status: criteria provided, single submitter. Criteria: ACMG Guidelines, 2015. Collection method: not provided. Allele origin: germline. Inheritance: Autosomal recessive inheritance. Affected: yes.

PreventionGenetics, part of Exact Sciences
Classification: Benign. Review status: criteria provided, single submitter. Criteria: ACMG Guidelines, 2015. Collection method: clinical testing. Allele origin: germline.

Natera, Inc.
Classification: Benign for Non-ketotic hyperglycinemia. Last evaluated: 2019-12-04. Review status: no assertion criteria provided. Collection method: clinical testing. Allele origin: germline. Not counted in ClinVar's aggregate classification.

Clinical Genetics DNA and cytogenetics Diagnostics Lab, Erasmus MC, Erasmus Medical Center
Classification: Benign. Review status: no assertion criteria provided. Collection method: clinical testing. Allele origin: germline. Affected: yes. Study: VKGL Data-share Consensus. Not counted in ClinVar's aggregate classification.

Genome Diagnostics Laboratory, University Medical Center Utrecht
Classification: Likely benign. Review status: no assertion criteria provided. Collection method: clinical testing. Allele origin: germline. Affected: yes. Study: VKGL Data-share Consensus. Not counted in ClinVar's aggregate classification.

Literature cited by the submitters: PubMed 22171071 (cited by Athena Diagnostics and Illumina Laboratory Services, Illumina); PubMed 16601880 (cited by Athena Diagnostics and Illumina Laboratory Services, Illumina).

NM_000170.3(GLDC):c.2380G>A (p.Ala794Thr)

Gene: GLDC (glycine decarboxylase; minus strand). Cytogenetic location: 9p24.1.
Variant type: single nucleotide variant.
Coding change: c.2380G>A on transcript NM_000170.3 (MANE Select); coding-DNA position 2380, G replaced by A.
Protein change: p.Ala794Thr; replaces alanine 794 with threonine.
Molecular consequence: missense variant.
Genome position (GRCh38, 1-based): chr9:6,553,445, C>T on the plus strand (G>A on the coding strand, the complement: GLDC is on the minus strand). VCF-style: chr9-6553445-C-T. GRCh37 (hg19) VCF-style: chr9-6553445-C-T.
Other names: p.Ala794Thr; short protein forms A794T.
Identifiers: ClinVar variation 255455 (VCV000255455.67), dbSNP rs141933811, ClinGen allele CA4980247.
Genomic context (GRCh38, chr9:6,553,445, plus strand): 5'-AAATGGGCAAGATGGAACTGGAGCCCCATGGGGCCGCACTGACGGTTCCCACAGGACAGG[C>T]ATCCTCATTCCGCTTTAGTGAAATGACGGGATGATTGGGCAAAAACGGGGCGAGATGTTT-3'
Protein context (NP_000161.2, residues 784-804): PVISLKRNED[Ala794Thr]CPVGTVSAAP